The following is an entry in ClinVar:

NM_001354604.2(MITF):c.550A>G (p.Met184Val)

Gene: MITF (melanocyte inducing transcription factor; plus strand). Cytogenetic location: 3p13.
Variant type: single nucleotide variant.
Coding change: c.550A>G on transcript NM_001354604.2 (MANE Select); coding-DNA position 550, A replaced by G.
Protein change: p.Met184Val; replaces methionine 184 with valine.
Molecular consequence: missense variant. On other transcripts: intron variant (1).
Genome position (GRCh38, 1-based): chr3:69,938,017, A>G. VCF-style: chr3-69938017-A-G. GRCh37 (hg19) VCF-style: chr3-69987168-A-G.
Other names: c.229A>G, p.Met77Val (NM_000248.4, NM_001184968.2, NM_198158.3); c.394A>G, p.Met132Val (NM_001184967.2, NM_001354608.2); c.547A>G, p.Met183Val (NM_001354605.2, NM_001354606.2, NM_006722.3); c.499A>G, p.Met167Val (NM_001354607.2); c.550A>G, p.Met184Val (NM_198159.3); c.502A>G, p.Met168Val (NM_198177.3); c.93+136A>G (NM_198178.3); short protein forms M132V, M167V, M168V, M183V, M184V, M77V.
Identifiers: ClinVar variation 3751868 (VCV003751868.2).

ClinVar aggregate classification (germline): Uncertain significance (1 of 4 stars; one submission).

Conditions:
Tietz syndrome (TADS). Also called: HYPOPIGMENTATION/DEAFNESS OF TIETZ; TIETZ ALBINISM-DEAFNESS SYNDROME; ALBINISM-DEAFNESS OF TIETZ. Identifiers: Orphanet 42665, MedGen C0391816, MONDO:0007077, OMIM 103500.
Waardenburg syndrome type 2A (WS2A). Also called: WAARDENBURG SYNDROME WITHOUT DYSTOPIA CANTHORUM. Identifiers: Orphanet 3440, MedGen C1860339, MONDO:0008671, OMIM 193510.
Melanoma, cutaneous malignant, susceptibility to, 8. Also called: MELANOMA AND RENAL CELL CARCINOMA, SUSCEPTIBILITY TO; Cutaneous malignant melanoma 8. Identifiers: Orphanet 293822, MedGen C3152204, MONDO:0013759, OMIM 614456.

Submission:

Labcorp Genetics (formerly Invitae), Labcorp
Classification: Uncertain significance for Melanoma, cutaneous malignant, susceptibility to, 8; Waardenburg syndrome type 2A; Tietz syndrome. Last evaluated: 2025-01-28. Review status: criteria provided, single submitter. Criteria: Invitae Variant Classification Sherloc (09022015). Collection method: clinical testing. Allele origin: germline.
Comment: This sequence change replaces methionine, which is neutral and non-polar, with valine, which is neutral and non-polar, at codon 77 of the MITF protein (p.Met77Val). This variant is present in population databases (no rsID available, gnomAD 0.007%). This variant has not been reported in the literature in individuals affected with MITF-related conditions. Invitae Evidence Modeling of protein sequence and biophysical properties (such as structural, functional, and spatial information, amino acid conservation, physicochemical variation, residue mobility, and thermodynamic stability) indicates that this missense variant is not expected to disrupt MITF protein function with a negative predictive value of 80%. In summary, the available evidence is currently insufficient to determine the role of this variant in disease. Therefore, it has been classified as a Variant of Uncertain Significance.